The following is an entry in ClinVar:

ClinVar aggregate classification (germline): Uncertain significance. Review status: criteria provided, multiple submitters, no conflicts (2 of 4 stars). 2 submissions from 2 submitters: Uncertain significance (2). Last evaluated 2023-04-10.

Conditions:
Familial thoracic aortic aneurysm and aortic dissection (TAAD). Also called: Thoracic aortic aneurysms and dissections. Identifiers: Orphanet 91387, MedGen C4707243, MONDO:0019625.
Marfan syndrome (MFS). Also called: FBN1-Related Marfan Syndrome; Marfan's syndrome; MARFAN SYNDROME, TYPE I; Marfan syndrome type 1; Marfan syndrome, classic. Identifiers: Orphanet 284963, Orphanet 558, MedGen C0024796, MONDO:0007947, OMIM 154700.

Allele frequency attached by ClinVar (database versions not stated): ExAC 0.00001.

Submissions (2):

All of Us Research Program, National Institutes of Health
Classification: Uncertain significance for Marfan syndrome. Last evaluated: 2023-04-10. Review status: criteria provided, single submitter. Criteria: ACMG Guidelines, 2015. Collection method: clinical testing. Allele origin: germline. Inheritance: Autosomal dominant inheritance. Observed: 1 variant allele, 1 heterozygote.
Comment: This missense variant replaces isoleucine with asparagine at codon 2117 of the FBN1 protein. Computational prediction suggests that this variant may not impact protein structure and function (internally defined REVEL score threshold <= 0.5, PMID: 27666373). To our knowledge, functional studies have not been reported for this variant. This variant has not been reported in individuals affected with FBN1-related disorders in the literature. This variant has not been identified in the general population by the Genome Aggregation Database (gnomAD). The available evidence is insufficient to determine the role of this variant in disease conclusively. Therefore, this variant is classified as a Variant of Uncertain Significance.

This study involves interpretation of variants in research participants for the purpose of population health screening. Participant phenotype was not available at the time of variant classification. Additional details can be found in publication PMID: 35346344, PMCID: PMC8962531

Labcorp Genetics (formerly Invitae), Labcorp
Classification: Uncertain significance for Marfan syndrome; Familial thoracic aortic aneurysm and aortic dissection. Last evaluated: 2019-04-11. Review status: criteria provided, single submitter. Criteria: Invitae Variant Classification Sherloc (09022015). Collection method: clinical testing. Allele origin: germline.
Comment: This sequence change replaces isoleucine with asparagine at codon 2117 of the FBN1 protein (p.Ile2117Asn). The isoleucine residue is moderately conserved and there is a large physicochemical difference between isoleucine and asparagine. The frequency data for this variant in the population databases is considered unreliable, as metrics indicate poor data quality at this position in the ExAC database. This variant has not been reported in the literature in individuals with FBN1-related conditions. Algorithms developed to predict the effect of missense changes on protein structure and function are either unavailable or do not agree on the potential impact of this missense change (SIFT: "Deleterious"; PolyPhen-2: "Benign"; Align-GVGD: "Class C0"). In summary, the available evidence is currently insufficient to determine the role of this variant in disease. Therefore, it has been classified as a Variant of Uncertain Significance.

NM_000138.5(FBN1):c.6350T>A (p.Ile2117Asn)

Gene: FBN1 (fibrillin 1; minus strand). Cytogenetic location: 15q21.1.
Variant type: single nucleotide variant.
Coding change: c.6350T>A on transcript NM_000138.5 (MANE Select); coding-DNA position 6350, T replaced by A.
Protein change: p.Ile2117Asn; replaces isoleucine 2117 with asparagine.
Molecular consequence: missense variant.
Genome position (GRCh38, 1-based): chr15:48,437,351, A>T on the plus strand (T>A on the coding strand, the complement: FBN1 is on the minus strand). VCF-style: chr15-48437351-A-T. GRCh37 (hg19) VCF-style: chr15-48729548-A-T.
Other names: short protein forms I2117N.
Identifiers: ClinVar variation 835729 (VCV000835729.10), dbSNP rs769196373, ClinGen allele CA056636.
Genomic context (GRCh38, chr15:48,437,351, plus strand): 5'-AAATGCTGAGAATCCAGCACAGGCAACTGACCAACTGCTGAATCATCAGGTCCCACGATG[A>T]TCCCACTTCCATAAGGACATATCTGGCGGAAGGCCTCTGTGGTGGAGACACTCATTAATA-3'
Protein context (NP_000129.3, residues 2107-2127): FRQICPYGSG[Ile2117Asn]IVGPDDSAVD